The following is an entry in ClinVar:

NM_006648.4(WNK2):c.103C>T (p.Arg35Trp)

Gene: WNK2 (WNK lysine deficient protein kinase 2; plus strand). Cytogenetic location: 9q22.31.
Variant type: single nucleotide variant.
Coding change: c.103C>T on transcript NM_006648.4 (MANE Select); coding-DNA position 103, C replaced by T.
Protein change: p.Arg35Trp; replaces arginine 35 with tryptophan.
Molecular consequence: missense variant.
Genome position (GRCh38, 1-based): chr9:93,185,032, C>T. VCF-style: chr9-93185032-C-T. GRCh37 (hg19) VCF-style: chr9-95947314-C-T.
Other names: c.103C>T, p.Arg35Trp (NM_001282394.3); short protein forms R35W.
Identifiers: ClinVar variation 4844847 (VCV004844847.1).
Genomic context (GRCh38, chr9:93,185,032, plus strand): 5'-ATGGAGCCCGGGCGCGGCGCGGGGCCCGCGGGCATGGCGGAGCCTCGGGCGAAGGCGGCG[C>T]GGCCGGGGCCCCAGCGCTTTCTGCGGCGCAGCGTGGTAGAGTCGGACCAGGAGGAGCCGC-3'
Protein context (NP_006639.3, residues 25-45): GMAEPRAKAA[Arg35Trp]PGPQRFLRRS

ClinVar aggregate classification (germline): Uncertain significance (1 of 4 stars; one submission).

gnomAD v4.1: 3 of 1,261,052 alleles (0.00024%); highest among the groups gnomAD compares: Admixed American, 0.0041%; no homozygotes.

Submission:

Ambry Genetics
Classification: Uncertain significance. Last evaluated: 2026-01-16. Review status: criteria provided, single submitter. Criteria: Ambry Variant Classification Scheme 2023. Collection method: clinical testing. Allele origin: germline.
Comment: The p.R35W variant (also known as c.103C>T), located in coding exon 1 of the WNK2 gene, results from a C to T substitution at nucleotide position 103. The arginine at codon 35 is replaced by tryptophan, an amino acid with dissimilar properties. This amino acid position is conserved. In addition, this alteration is predicted to be tolerated by in silico analysis. Based on the available evidence, the clinical significance of this variant remains unclear.